The following is an entry in ClinVar:

ClinVar aggregate classification (germline): Uncertain significance (1 of 4 stars; one submission).

Allele frequency attached by ClinVar (database versions not stated): gnomAD exomes below 0.00001.
gnomAD v4.1: 1 of 1,614,010 alleles (0.000062%); highest among the groups gnomAD compares: Non-Finnish European, 0.000085%; no homozygotes.

Submission:

Labcorp Genetics (formerly Invitae), Labcorp
Classification: Uncertain significance. Last evaluated: 2020-03-11. Review status: criteria provided, single submitter. Criteria: Invitae Variant Classification Sherloc (09022015). Collection method: clinical testing. Allele origin: germline.
Comment: This variant is not present in population databases (ExAC no frequency). This variant has not been reported in the literature in individuals with POLE-related conditions. Algorithms developed to predict the effect of missense changes on protein structure and function (SIFT, PolyPhen-2, Align-GVGD) all suggest that this variant is likely to be tolerated, but these predictions have not been confirmed by published functional studies and their clinical significance is uncertain. In summary, the available evidence is currently insufficient to determine the role of this variant in disease. Therefore, it has been classified as a Variant of Uncertain Significance. This sequence change replaces glutamic acid with lysine at codon 2229 of the POLE protein (p.Glu2229Lys). The glutamic acid residue is moderately conserved and there is a small physicochemical difference between glutamic acid and lysine.

NM_006231.4(POLE):c.6685G>A (p.Glu2229Lys)

Gene: POLE (DNA polymerase epsilon, catalytic subunit; minus strand). Cytogenetic location: 12q24.33.
Variant type: single nucleotide variant.
Coding change: c.6685G>A on transcript NM_006231.4 (MANE Select); coding-DNA position 6685, G replaced by A.
Protein change: p.Glu2229Lys; replaces glutamic acid 2229 with lysine.
Molecular consequence: missense variant.
Genome position (GRCh38, 1-based): chr12:132,624,967, C>T on the plus strand (G>A on the coding strand, the complement: POLE is on the minus strand). VCF-style: chr12-132624967-C-T. GRCh37 (hg19) VCF-style: chr12-133201553-C-T.
Other names: short protein forms E2229K.
Identifiers: ClinVar variation 845728 (VCV000845728.9), dbSNP rs2041801529, ClinGen allele CA387366200.